The following is an entry in ClinVar:

ClinVar aggregate classification (germline): Conflicting classifications of pathogenicity. Review status: criteria provided, conflicting classifications (1 of 4 stars). 6 submissions from 6 submitters: Uncertain significance (3); Likely benign (2). 1 of the submissions does not count toward it. Last evaluated 2025-12-21.

Conditions:
Inborn genetic diseases. Identifiers: MedGen C0950123, MeSH D030342.
PLEC-related disorder. Also called: PLEC-related condition; PLEC-related disorders.
Autosomal recessive limb-girdle muscular dystrophy type 2Q (LGMDR17). Also called: MUSCULAR DYSTROPHY, LIMB-GIRDLE, AUTOSOMAL RECESSIVE 17. Identifiers: Orphanet 254361, MedGen C3150989, MONDO:0013390, OMIM 613723.
Epidermolysis bullosa simplex with nail dystrophy (EBS5D). Identifiers: MedGen C4225309, MONDO:0014661, OMIM 616487.
Epidermolysis bullosa simplex 5C, with pyloric atresia (EBS5C). Also called: PLEC-Related Epidermolysis Bullosa with Pyloric Atresia; PLEC1-Related Epidermolysis Bullosa with Pyloric Atresia; Epidermolysis bullosa simplex with pyloric atresia. Identifiers: Orphanet 158684, MedGen C2677349, MONDO:0012807, OMIM 612138.
Epidermolysis bullosa simplex, Ogna type (EBS5A). Also called: Pidermolysis bullosa simplex 5A, Ogna type; EPIDERMOLYSIS BULLOSA SIMPLEX 5A, OGNA TYPE. Identifiers: Orphanet 79401, MedGen C0432317, MONDO:0007555, OMIM 131950.
Epidermolysis bullosa simplex 5B, with muscular dystrophy (EBS5B). Also called: Epidermolysis bullosa simplex with muscular dystrophy; EPIDERMOLYSIS BULLOSA SIMPLEX AND LIMB-GIRDLE MUSCULAR DYSTROPHY. Identifiers: Orphanet 257, MedGen C2931072, MONDO:0009181, OMIM 226670.

Allele frequency attached by ClinVar (database versions not stated): TOPMed 0.00015; gnomAD 0.00016; ESP Exome Variant Server 0.00025.
gnomAD v4.1: 210 of 1,612,784 alleles (0.013%); highest among the groups gnomAD compares: East Asian, 0.011%; no homozygotes.

Submissions (6):

Labcorp Genetics (formerly Invitae), Labcorp
Classification: Likely benign for Autosomal recessive limb-girdle muscular dystrophy type 2Q; Epidermolysis bullosa simplex, Ogna type; Epidermolysis bullosa simplex with nail dystrophy; Epidermolysis bullosa simplex 5C, with pyloric atresia; Epidermolysis bullosa simplex 5B, with muscular dystrophy. Last evaluated: 2025-12-21. Review status: criteria provided, single submitter. Criteria: Invitae Variant Classification Sherloc (09022015). Collection method: clinical testing. Allele origin: germline.

CeGaT Center for Human Genetics Tuebingen
Classification: Uncertain significance. Last evaluated: 2023-10-01. Review status: criteria provided, single submitter. Criteria: CeGaT Center For Human Genetics Tuebingen Variant Classification Criteria Version 2. Collection method: clinical testing. Allele origin: germline. Affected: yes. Observed: 1 variant allele.
Comment: PLEC: PM2, BP4

Ambry Genetics
Classification: Uncertain significance for Inborn genetic diseases. Last evaluated: 2023-06-01. Review status: criteria provided, single submitter. Criteria: Ambry Variant Classification Scheme 2023. Collection method: clinical testing. Allele origin: germline.

GeneDx
Classification: Likely benign. Last evaluated: 2019-04-18. Review status: criteria provided, single submitter. Criteria: GeneDx Variant Classification Process June 2021. Collection method: clinical testing. Allele origin: germline. Affected: yes.

Eurofins Ntd Llc (ga)
Classification: Uncertain significance. Last evaluated: 2016-09-22. Review status: criteria provided, single submitter. Criteria: EGL Classification Definitions 2015. Collection method: clinical testing. Allele origin: germline. Observed: 6 variant alleles, 6 heterozygotes.

PreventionGenetics, part of Exact Sciences
Classification: Likely benign for PLEC-related condition. Last evaluated: 2023-10-11. Review status: no assertion criteria provided. Collection method: clinical testing. Allele origin: germline. Not counted in ClinVar's aggregate classification.
Comment: This variant is classified as likely benign based on ACMG/AMP sequence variant interpretation guidelines (Richards et al. 2015 PMID: 25741868, with internal and published modifications).

NM_201384.3(PLEC):c.9692G>A (p.Arg3231His)

Gene: PLEC (plectin; minus strand). Cytogenetic location: 8q24.3.
Variant type: single nucleotide variant.
Coding change: c.9692G>A on transcript NM_201384.3 (MANE Select); coding-DNA position 9692, G replaced by A.
Protein change: p.Arg3231His; replaces arginine 3231 with histidine.
Molecular consequence: missense variant.
Genome position (GRCh38, 1-based): chr8:143,920,129, C>T on the plus strand (G>A on the coding strand, the complement: PLEC is on the minus strand). VCF-style: chr8-143920129-C-T. GRCh37 (hg19) VCF-style: chr8-144994297-C-T.
Other names: c.9773G>A, p.Arg3258His (NM_000445.5); c.9650G>A, p.Arg3217His (NM_201378.4); c.9626G>A, p.Arg3209His (NM_201379.3); c.10103G>A, p.Arg3368His (NM_201380.4); c.9596G>A, p.Arg3199His (NM_201381.3); c.9692G>A, p.Arg3231His (NM_201382.4); c.9704G>A, p.Arg3235His (NM_201383.3); short protein forms R3231H, R3258H, R3199H, R3209H, R3217H, R3235H, R3368H.
Identifiers: ClinVar variation 284565 (VCV000284565.80), dbSNP rs377610697, ClinGen allele CA4924885.